The following is an entry in ClinVar:

ClinVar aggregate classification (germline): Uncertain significance. Review status: criteria provided, multiple submitters, no conflicts (2 of 4 stars). 3 submissions from 3 submitters: Uncertain significance (3). Last evaluated 2024-02-15.

Conditions:
Lethal multiple pterygium syndrome (LMPS). Identifiers: Orphanet 33108, MedGen C1854678, MONDO:0009668, OMIM 253290.

gnomAD v4.1: 2 of 1,614,144 alleles (0.00012%); highest among the groups gnomAD compares: Non-Finnish European, 0.00017%; no homozygotes.

Submissions (3):

Blueprint Genetics
Classification: Uncertain significance. Last evaluated: 2024-02-15. Review status: criteria provided, single submitter. Criteria: ACMG Guidelines, 2015. Collection method: clinical testing. Allele origin: germline.

GeneDx
Classification: Uncertain significance. Last evaluated: 2023-06-15. Review status: criteria provided, single submitter. Criteria: GeneDx Variant Classification Process June 2021. Collection method: clinical testing. Allele origin: germline. Affected: yes.
Comment: Not observed at significant frequency in large population cohorts (gnomAD); In silico analysis supports that this missense variant does not alter protein structure/function; Has not been previously published as pathogenic or benign to our knowledge

Labcorp Genetics (formerly Invitae), Labcorp
Classification: Uncertain significance for Lethal multiple pterygium syndrome. Last evaluated: 2022-11-29. Review status: criteria provided, single submitter. Criteria: Invitae Variant Classification Sherloc (09022015). Collection method: clinical testing. Allele origin: germline.
Comment: In summary, the available evidence is currently insufficient to determine the role of this variant in disease. Therefore, it has been classified as a Variant of Uncertain Significance. Advanced modeling of protein sequence and biophysical properties (such as structural, functional, and spatial information, amino acid conservation, physicochemical variation, residue mobility, and thermodynamic stability) performed at Invitae indicates that this missense variant is not expected to disrupt CHRNA1 protein function. ClinVar contains an entry for this variant (Variation ID: 658628). This variant has not been reported in the literature in individuals affected with CHRNA1-related conditions. This variant is not present in population databases (gnomAD no frequency). This sequence change replaces serine, which is neutral and polar, with tyrosine, which is neutral and polar, at codon 353 of the CHRNA1 protein (p.Ser353Tyr).

NM_000079.4(CHRNA1):c.1058C>A (p.Ser353Tyr)

Gene: CHRNA1 (cholinergic receptor nicotinic alpha 1 subunit; minus strand). Cytogenetic location: 2q31.1.
Variant type: single nucleotide variant.
Coding change: c.1058C>A on transcript NM_000079.4 (MANE Select); coding-DNA position 1058, C replaced by A.
Protein change: p.Ser353Tyr; replaces serine 353 with tyrosine.
Molecular consequence: missense variant.
Genome position (GRCh38, 1-based): chr2:174,748,764, G>T on the plus strand (C>A on the coding strand, the complement: CHRNA1 is on the minus strand). VCF-style: chr2-174748764-G-T. GRCh37 (hg19) VCF-style: chr2-175613492-G-T.
Other names: c.1133C>A, p.Ser378Tyr (NM_001039523.3); short protein forms S378Y, S353Y.
Identifiers: ClinVar variation 658628 (VCV000658628.10), dbSNP rs1574002549, ClinGen allele CA349335148.